The following is an entry in ClinVar:

ClinVar aggregate classification (germline): Likely pathogenic (1 of 4 stars; one submission).

Submission:

Labcorp Genetics (formerly Invitae), Labcorp
Classification: Likely pathogenic. Last evaluated: 2023-09-05. Review status: criteria provided, single submitter. Criteria: Invitae Variant Classification Sherloc (09022015). Collection method: clinical testing. Allele origin: unknown.
Comment: This variant results in a copy number gain of the genomic region encompassing exon(s) 3 of the TBCE gene. While the exact position of this variant cannot be determined from the data, sub-genic copy number gains are generally in tandem (PMID: 25640679). This variant is predicted to be out-of-frame, and may result in an absent or disrupted protein product. Loss-of-function variants in TBCE are known to be pathogenic (PMID: 27666369, 34134906, 34356170). This variant has not been reported in the literature in individuals affected with TBCE-related conditions. In summary, the currently available evidence indicates that the variant is pathogenic, but additional data are needed to prove that conclusively. Therefore, this variant has been classified as Likely Pathogenic.

Literature cited by the submitters: PubMed 25640679; PubMed 27666369; PubMed 34134906; PubMed 34356170.

NC_000001.10:g.(?_235564798)_(235564922_?)dup

Gene: TBCE (tubulin folding cofactor E; plus strand). Cytogenetic location: 1q42.3.
Variant type: Duplication.
Identifiers: ClinVar variation 3247958 (VCV003247958.1).